The following is an entry in ClinVar:

ClinVar aggregate classification (germline): Pathogenic. Review status: criteria provided, multiple submitters, no conflicts (2 of 4 stars). 2 submissions from 2 submitters: Pathogenic (2). Last evaluated 2025-09-22.

Conditions:
Bardet-Biedl syndrome 14 (BBS14). Identifiers: Orphanet 110, MedGen C2673874, MONDO:0014442, OMIM 615991.
Leber congenital amaurosis (LCA). Also called: Leber's amaurosis. Identifiers: Orphanet 65, MedGen C0339527, MeSH D057130, MONDO:0018998.

gnomAD v4.1: 1 of 1,456,208 alleles (0.000069%); highest among the groups gnomAD compares: Non-Finnish European, 0.000093%; no homozygotes.

Submissions (2):

Natera, Inc.
Classification: Pathogenic for Leber congenital amaurosis. Last evaluated: 2025-09-22. Review status: criteria provided, single submitter. Criteria: Natera Variant Classification Schema (03/2026). Collection method: clinical testing. Allele origin: germline.
Comment: The c.5011C>T variant in CEP290 is a nonsense variant predicted to introduce a stop codon at amino acid 1671. This variant is expected to result in nonsense mediated decay, truncation, or a dysfunctional protein product. This variant is rare in the general population with a frequency below the threshold expected for the associated phenotype(s). This variant has been observed in one or more individuals affected with the associated recessive disease, as either homozygous or compound heterozygous with a second variant (PMID: 32386258). Given the available evidence, this variant is classified as Pathogenic.

Baylor Genetics
Classification: Pathogenic for Bardet-Biedl syndrome 14. Last evaluated: 2023-07-18. Review status: criteria provided, single submitter. Criteria: ACMG Guidelines, 2015. Collection method: clinical testing. Allele origin: unknown.

Literature cited by the submitters: PubMed 32386258 (cited by Natera, Inc.).

NM_025114.4(CEP290):c.5011C>T (p.Gln1671Ter)

Gene: CEP290 (centrosomal protein 290; minus strand). Cytogenetic location: 12q21.32.
Variant type: single nucleotide variant.
Coding change: c.5011C>T on transcript NM_025114.4 (MANE Select); coding-DNA position 5011, C replaced by T.
Protein change: p.Gln1671Ter; replaces glutamine 1671 with a stop codon.
Molecular consequence: nonsense.
Genome position (GRCh38, 1-based): chr12:88,083,032, G>A on the plus strand (C>T on the coding strand, the complement: CEP290 is on the minus strand). VCF-style: chr12-88083032-G-A. GRCh37 (hg19) VCF-style: chr12-88476809-G-A.
Other names: c.5011C>T (NM_025114.3); short protein forms Q1671*.
Identifiers: ClinVar variation 2680602 (VCV002680602.2), dbSNP rs1219855028, ClinGen allele CA385992644.